The following is an entry in ClinVar:

NM_000243.3(MEFV):c.1A>C (p.Met1Leu)

Gene: MEFV (MEFV innate immunity regulator, pyrin; minus strand). Cytogenetic location: 16p13.3.
Variant type: single nucleotide variant.
Coding change: c.1A>C on transcript NM_000243.3 (MANE Select); coding-DNA position 1, A replaced by C.
Protein change: p.Met1Leu; changes the start codon (methionine 1).
Molecular consequence: missense variant, initiator codon variant.
Genome position (GRCh38, 1-based): chr16:3,256,587, T>G on the plus strand (A>C on the coding strand, the complement: MEFV is on the minus strand). VCF-style: chr16-3256587-T-G. GRCh37 (hg19) VCF-style: chr16-3306587-T-G.
Other names: c.1A>C, p.Met1Leu (NM_001198536.2); short protein forms M1L.
Identifiers: ClinVar variation 2198878 (VCV002198878.2), dbSNP rs764544998, ClinGen allele CA7860555.

ClinVar aggregate classification (germline): Uncertain significance (1 of 4 stars; one submission).

Conditions:
Familial Mediterranean fever (FMF). Also called: POLYSEROSITIS, FAMILIAL PAROXYSMAL; POLYSEROSITIS, RECURRENT; Periodic peritonitis; Benign paroxysmal peritonitis. Identifiers: Orphanet 342, MedGen C0031069, MONDO:0018088, OMIM 249100. Disease mechanism: gain of function.

Allele frequency attached by ClinVar (database versions not stated): ExAC 0.00001.

Submission:

Labcorp Genetics (formerly Invitae), Labcorp
Classification: Uncertain significance for Familial Mediterranean fever. Last evaluated: 2022-08-22. Review status: criteria provided, single submitter. Criteria: Invitae Variant Classification Sherloc (09022015). Collection method: clinical testing. Allele origin: germline.
Comment: This sequence change affects the initiator methionine of the MEFV mRNA. The next in-frame methionine is located at codon 53. This variant is present in population databases (rs764544998, gnomAD 0.006%). This variant has not been reported in the literature in individuals affected with MEFV-related conditions. Experimental studies and prediction algorithms are not available or were not evaluated, and the functional significance of this variant is currently unknown. In summary, the available evidence is currently insufficient to determine the role of this variant in disease. Therefore, it has been classified as a Variant of Uncertain Significance.